The following is an entry in ClinVar:

NM_001134407.3(GRIN2A):c.1430T>C (p.Leu477Pro)

Gene: GRIN2A (glutamate ionotropic receptor NMDA type subunit 2A; minus strand). Cytogenetic location: 16p13.2.
Variant type: single nucleotide variant.
Coding change: c.1430T>C on transcript NM_001134407.3 (MANE Select); coding-DNA position 1430, T replaced by C.
Protein change: p.Leu477Pro; replaces leucine 477 with proline.
Molecular consequence: missense variant.
Genome position (GRCh38, 1-based): chr16:9,841,003, A>G on the plus strand (T>C on the coding strand, the complement: GRIN2A is on the minus strand). VCF-style: chr16-9841003-A-G. GRCh37 (hg19) VCF-style: chr16-9934860-A-G.
Other names: c.1430T>C, p.Leu477Pro (NM_000833.5, NM_001134408.2); short protein forms L477P.
Identifiers: ClinVar variation 2718857 (VCV002718857.3), dbSNP rs2141345181, ClinGen allele CA394800667.

ClinVar aggregate classification (germline): Uncertain significance (1 of 4 stars; one submission).

Conditions:
Landau-Kleffner syndrome (FESD). Also called: APHASIA, ACQUIRED, WITH EPILEPSY; EPILEPSY, FOCAL, WITH SPEECH DISORDER AND WITH OR WITHOUT MENTAL RETARDATION. Identifiers: Orphanet 1945, Orphanet 725, Orphanet 98818, MedGen C0282512, MONDO:0009509, OMIM 245570.

Submission:

Labcorp Genetics (formerly Invitae), Labcorp
Classification: Uncertain significance for Landau-Kleffner syndrome. Last evaluated: 2024-05-15. Review status: criteria provided, single submitter. Criteria: Invitae Variant Classification Sherloc (09022015). Collection method: clinical testing. Allele origin: germline.
Comment: This sequence change replaces leucine, which is neutral and non-polar, with proline, which is neutral and non-polar, at codon 477 of the GRIN2A protein (p.Leu477Pro). This variant is not present in population databases (gnomAD no frequency). This variant has not been reported in the literature in individuals affected with GRIN2A-related conditions. Advanced modeling of protein sequence and biophysical properties (such as structural, functional, and spatial information, amino acid conservation, physicochemical variation, residue mobility, and thermodynamic stability) performed at Invitae indicates that this missense variant is expected to disrupt GRIN2A protein function with a positive predictive value of 95%. In summary, the available evidence is currently insufficient to determine the role of this variant in disease. Therefore, it has been classified as a Variant of Uncertain Significance.